The following is an entry in ClinVar:

NM_002016.2(FLG):c.2905_2906delinsTC (p.Asn969Ser)

Genes: CCDST (cervical cancer associated DHX9 suppressive transcript; plus strand), FLG (filaggrin; minus strand). Cytogenetic location: 1q21.3.
Variant type: Indel.
Coding change: c.2905_2906delinsTC on transcript NM_002016.2 (MANE Select); coding-DNA positions 2905 to 2906, AA replaced by TC.
Protein change: p.Asn969Ser; replaces asparagine 969 with serine.
Molecular consequence: missense variant.
Genome position (GRCh38, 1-based): chr1:152,311,980-152,311,981, TT replaced by GA on the plus strand (AA replaced by TC on the coding strand, the reverse complement: FLG is on the minus strand). VCF-style: chr1-152311980-TT-GA. GRCh37 (hg19) VCF-style: chr1-152284456-TT-GA.
Other names: short protein forms N969S.
Identifiers: ClinVar variation 4874421 (VCV004874421.2).

ClinVar aggregate classification (germline): Benign (1 of 4 stars; one submission).

Submission:

CeGaT Center for Human Genetics Tuebingen
Classification: Benign. Last evaluated: 2026-06-01. Review status: criteria provided, single submitter. Criteria: CeGaT Center For Human Genetics Tuebingen Variant Classification Criteria Version 2. Collection method: clinical testing. Allele origin: germline. Affected: yes. Observed: 1 variant allele.
Comment: FLG: BS1, BS2